The following is an entry in ClinVar:

ClinVar aggregate classification (germline): Uncertain significance (1 of 4 stars; one submission).

Conditions:
Baller-Gerold syndrome (BGS). Also called: CRANIOSYNOSTOSIS WITH RADIAL DEFECTS. Identifiers: Orphanet 1225, MedGen C0265308, MONDO:0009039, OMIM 218600.

Allele frequency attached by ClinVar (database versions not stated): ExAC 0.00002; gnomAD exomes 0.00002.

Submission:

Labcorp Genetics (formerly Invitae), Labcorp
Classification: Uncertain significance for Baller-Gerold syndrome. Last evaluated: 2023-04-19. Review status: criteria provided, single submitter. Criteria: Invitae Variant Classification Sherloc (09022015). Collection method: clinical testing. Allele origin: germline.
Comment: This variant has not been reported in the literature in individuals affected with RECQL4-related conditions. ClinVar contains an entry for this variant (Variation ID: 1001659). Advanced modeling of protein sequence and biophysical properties (such as structural, functional, and spatial information, amino acid conservation, physicochemical variation, residue mobility, and thermodynamic stability) performed at Invitae indicates that this missense variant is not expected to disrupt RECQL4 protein function. In summary, the available evidence is currently insufficient to determine the role of this variant in disease. Therefore, it has been classified as a Variant of Uncertain Significance. This sequence change replaces histidine, which is basic and polar, with arginine, which is basic and polar, at codon 944 of the RECQL4 protein (p.His944Arg). This variant is present in population databases (rs759772792, gnomAD 0.02%).

NM_004260.4(RECQL4):c.2831A>G (p.His944Arg)

Gene: RECQL4 (RecQ like helicase 4; minus strand). Cytogenetic location: 8q24.3.
Variant type: single nucleotide variant.
Coding change: c.2831A>G on transcript NM_004260.4 (MANE Select); coding-DNA position 2831, A replaced by G.
Protein change: p.His944Arg; replaces histidine 944 with arginine.
Molecular consequence: missense variant.
Genome position (GRCh38, 1-based): chr8:144,512,696, T>C on the plus strand (A>G on the coding strand, the complement: RECQL4 is on the minus strand). VCF-style: chr8-144512696-T-C. GRCh37 (hg19) VCF-style: chr8-145738079-T-C.
Other names: short protein forms H944R.
Identifiers: ClinVar variation 1001659 (VCV001001659.5), dbSNP rs759772792, ClinGen allele CA4948061.